The following is an entry in ClinVar:

ClinVar aggregate classification (germline): Benign (1 of 4 stars; one submission).

Conditions:
T-B+ severe combined immunodeficiency due to JAK3 deficiency. Also called: SCID, autosomal recessive, T-negative/B-positive type; SCID, T CELL-NEGATIVE, B CELL-POSITIVE, NK CELL-NEGATIVE. Identifiers: Orphanet 35078, MedGen C1833275, MONDO:0010938, OMIM 600802.

Allele frequency attached by ClinVar (database versions not stated): 1000 Genomes Project 30x 0.01218; 1000 Genomes Project 0.01198; gnomAD exomes 0.00216; gnomAD 0.01224 and 0.01316; TOPMed 0.01379.
gnomAD v4.1: 2,013 of 228,126 alleles (0.88%); highest among the groups gnomAD compares: African/African-American, 4.2%; 44 homozygotes.

Submission:

Illumina Laboratory Services, Illumina
Classification: Benign for T-B+ severe combined immunodeficiency due to JAK3 deficiency. Last evaluated: 2018-01-13. Review status: criteria provided, single submitter. Criteria: ICSL Variant Classification Criteria 13 December 2019. Collection method: clinical testing. Allele origin: germline.
Comment: This variant was observed in the ICSL laboratory as part of a predisposition screen in an ostensibly healthy population. It had not been previously curated by ICSL or reported in the Human Gene Mutation Database (HGMD: prior to June 1st, 2018), and was therefore a candidate for classification through an automated scoring system. Utilizing variant allele frequency, disease prevalence and penetrance estimates, and inheritance mode, an automated score was calculated to assess if this variant is too frequent to cause the disease. Based on the score and internal cut-off values, a variant classified as benign is not then subjected to further curation. The score for this variant resulted in a classification of benign for this disease.

NM_000215.4(JAK3):c.*1422G>A

Gene: JAK3 (Janus kinase 3; minus strand). Cytogenetic location: 19p13.11.
Variant type: single nucleotide variant.
Coding change: c.*1422G>A on transcript NM_000215.4 (MANE Select); 1422 bases downstream of the stop codon, G replaced by A.
Molecular consequence: 3 prime UTR variant.
Genome position (GRCh38, 1-based): chr19:17,825,321, C>T on the plus strand (G>A on the coding strand, the complement: JAK3 is on the minus strand). VCF-style: chr19-17825321-C-T. GRCh37 (hg19) VCF-style: chr19-17936130-C-T.
Identifiers: ClinVar variation 328469 (VCV000328469.5), dbSNP rs79972191, ClinGen allele CA10648379.
Genomic context (GRCh38, chr19:17,825,321, plus strand): 5'-TACTCTGAGCCTTCTCACGCTTGGCATGCTGTTCCCTCTGCCAGGAATGCCTTTCCTTCC[C>T]TTGATTGCGTGAAAAGTTCCTGCCAGGTTTGGTGTCATCCCTTTGTGCCCCTTGTAGGGT-3'